The following is an entry in ClinVar:

NM_001105206.3(LAMA4):c.5158G>T (p.Val1720Phe)

Gene: LAMA4 (laminin subunit alpha 4; minus strand). Cytogenetic location: 6q21.
Variant type: single nucleotide variant.
Coding change: c.5158G>T on transcript NM_001105206.3 (MANE Select); coding-DNA position 5158, G replaced by T.
Protein change: p.Val1720Phe; replaces valine 1720 with phenylalanine.
Molecular consequence: missense variant.
Genome position (GRCh38, 1-based): chr6:112,114,711, C>A on the plus strand (G>T on the coding strand, the complement: LAMA4 is on the minus strand). VCF-style: chr6-112114711-C-A. GRCh37 (hg19) VCF-style: chr6-112435914-C-A.
Other names: c.5137G>T, p.Val1713Phe (NM_001105207.3, NM_002290.5); short protein forms V1713F, V1720F.
Identifiers: ClinVar variation 4045948 (VCV004045948.1).

ClinVar aggregate classification (germline): Uncertain significance (1 of 4 stars; one submission).

Conditions:
Cardiovascular phenotype. Identifiers: MedGen CN230736.

Submission:

Ambry Genetics
Classification: Uncertain significance for Cardiovascular phenotype. Last evaluated: 2025-04-30. Review status: criteria provided, single submitter. Criteria: Ambry Variant Classification Scheme 2023. Collection method: clinical testing. Allele origin: germline.
Comment: The p.V1713F variant (also known as c.5137G>T), located in coding exon 36 of the LAMA4 gene, results from a G to T substitution at nucleotide position 5137. The valine at codon 1713 is replaced by phenylalanine, an amino acid with highly similar properties. This amino acid position is conserved. In addition, this alteration is predicted to be deleterious by in silico analysis. Based on the available evidence, the clinical significance of this variant remains unclear.